The following is an entry in ClinVar:

ClinVar aggregate classification (germline): Uncertain significance. Review status: criteria provided, multiple submitters, no conflicts (2 of 4 stars). 2 submissions from 2 submitters: Uncertain significance (2). Last evaluated 2026-01-13.

Conditions:
LRSAM1-related disorder. Also called: LRSAM1-related condition.
Charcot-Marie-Tooth disease axonal type 2P. Also called: CHARCOT-MARIE-TOOTH NEUROPATHY, TYPE 2P; Charcot-Marie-Tooth Neuropathy Type 2G; CHARCOT-MARIE-TOOTH DISEASE, AXONAL, TYPE 2G; CMT 2G. Identifiers: Orphanet 300319, Orphanet 99941, MedGen C3280797, MONDO:0013753, OMIM 614436.

gnomAD v4.1: 6 of 1,614,028 alleles (0.00037%); highest among the groups gnomAD compares: East Asian, 0.0067%; no homozygotes.

Submissions (2):

PreventionGenetics, part of Exact Sciences
Classification: Uncertain significance for LRSAM1-related condition. Last evaluated: 2026-01-13. Review status: criteria provided, single submitter. Criteria: ACMG Guidelines, 2015. Collection method: clinical testing. Allele origin: germline.
Comment: The LRSAM1 c.817C>T variant is predicted to result in the amino acid substitution p.Arg273Cys. To our knowledge, this variant has not been reported in the literature. This variant is reported in 0.0054% of alleles in individuals of East Asian descent in gnomAD. At this time, the clinical significance of this variant is uncertain due to the absence of conclusive functional and genetic evidence.

Labcorp Genetics (formerly Invitae), Labcorp
Classification: Uncertain significance for Charcot-Marie-Tooth disease axonal type 2P. Last evaluated: 2024-09-24. Review status: criteria provided, single submitter. Criteria: Invitae Variant Classification Sherloc (09022015). Collection method: clinical testing. Allele origin: germline.
Comment: This sequence change replaces arginine, which is basic and polar, with cysteine, which is neutral and slightly polar, at codon 273 of the LRSAM1 protein (p.Arg273Cys). The frequency data for this variant in the population databases is considered unreliable, as metrics indicate poor data quality at this position in the gnomAD database. This variant has not been reported in the literature in individuals affected with LRSAM1-related conditions. Invitae Evidence Modeling of protein sequence and biophysical properties (such as structural, functional, and spatial information, amino acid conservation, physicochemical variation, residue mobility, and thermodynamic stability) has been performed for this missense variant. However, the output from this modeling did not meet the statistical confidence thresholds required to predict the impact of this variant on LRSAM1 protein function. In summary, the available evidence is currently insufficient to determine the role of this variant in disease. Therefore, it has been classified as a Variant of Uncertain Significance.

NM_001005373.4(LRSAM1):c.817C>T (p.Arg273Cys)

Gene: LRSAM1 (leucine rich repeat and sterile alpha motif containing 1; plus strand). Cytogenetic location: 9q33.3.
Variant type: single nucleotide variant.
Coding change: c.817C>T on transcript NM_001005373.4 (MANE Select); coding-DNA position 817, C replaced by T.
Protein change: p.Arg273Cys; replaces arginine 273 with cysteine.
Molecular consequence: missense variant. On other transcripts: non-coding transcript variant (2).
Genome position (GRCh38, 1-based): chr9:127,479,419, C>T. VCF-style: chr9-127479419-C-T. GRCh37 (hg19) VCF-style: chr9-130241698-C-T.
Other names: c.817C>T, p.Arg273Cys (NM_001005374.4, NM_001190723.3, NM_001384142.1 and 2 more transcripts); c.28C>T, p.Arg10Cys (NM_001384144.1); short protein forms R10C, R273C.
Identifiers: ClinVar variation 3704299 (VCV003704299.3).